The following is an entry in ClinVar:

ClinVar aggregate classification (germline): Uncertain significance. Review status: criteria provided, multiple submitters, no conflicts (2 of 4 stars). 2 submissions from 2 submitters: Uncertain significance (2). Last evaluated 2025-08-17.

Conditions:
Catecholaminergic polymorphic ventricular tachycardia 1. Also called: RYR2-Related Catecholaminergic Polymorphic Ventricular Tachycardia; VENTRICULAR TACHYCARDIA, CATECHOLAMINERGIC POLYMORPHIC, 1, WITH OR WITHOUT ATRIAL DYSFUNCTION AND/OR DILATED CARDIOMYOPATHY; VENTRICULAR TACHYCARDIA, STRESS-INDUCED POLYMORPHIC 1. Identifiers: Orphanet 3286, MedGen C1631597, MONDO:0011484, OMIM 604772.
Cardiovascular phenotype. Identifiers: MedGen CN230736.

Submissions (2):

Labcorp Genetics (formerly Invitae), Labcorp
Classification: Uncertain significance for Catecholaminergic polymorphic ventricular tachycardia 1. Last evaluated: 2025-08-17. Review status: criteria provided, single submitter. Criteria: Invitae Variant Classification Sherloc (09022015). Collection method: clinical testing. Allele origin: germline.
Comment: This variant, c.1131_1142del, results in the deletion of 4 amino acid(s) of the CASQ2 protein (p.Glu377_Asp380del), but otherwise preserves the integrity of the reading frame. The frequency data for this variant in the population databases is considered unreliable, as metrics indicate poor data quality at this position in the gnomAD database. This variant has not been reported in the literature in individuals affected with CASQ2-related conditions. Experimental studies and prediction algorithms are not available or were not evaluated, and the functional significance of this variant is currently unknown. In summary, the available evidence is currently insufficient to determine the role of this variant in disease. Therefore, it has been classified as a Variant of Uncertain Significance.

Ambry Genetics
Classification: Uncertain significance for Cardiovascular phenotype. Last evaluated: 2025-01-06. Review status: criteria provided, single submitter. Criteria: Ambry Variant Classification Scheme 2023. Collection method: clinical testing. Allele origin: germline.
Comment: The c.1131_1142del12 variant (also known as p.E377_D380del) is located in coding exon 11 of the CASQ2 gene. This variant results from an in-frame AGATGATGATGA deletion at nucleotide positions 1131 to 1142. This results in the in-frame deletion of the amino acids (EDDD) at codons 377 to 380. This amino acid positions are not well conserved in available vertebrate species. In addition, this alteration is predicted to be deleterious by in silico analysis (Choi Y et al. PLoS ONE. 2012; 7(10):e46688). Based on the available evidence, the clinical significance of this variant remains unclear.

NM_001232.4(CASQ2):c.1119AGATGATGATGA[1] (p.373EDDD[1])

Gene: CASQ2 (calsequestrin 2; minus strand). Cytogenetic location: 1p13.1.
Variant type: Microsatellite.
Coding change: c.1119AGATGATGATGA[1] on transcript NM_001232.4 (MANE Select); one copy of the 12-base unit AGATGATGATGA starting at c.1119; the reference has two copies in a row; one copy, 12 bases deleted.
Protein change: p.373EDDD[1].
Molecular consequence: inframe deletion.
Genome position (GRCh38, 1-based): chr1:115,701,299-115,701,310, TCATCATCATCT deleted on the plus strand (AGATGATGATGA on the coding strand, the reverse complement: CASQ2 is on the minus strand); deleting any 12 consecutive bases within chr1:115,701,299-115,701,325 gives the same sequence; the position shown is the placement nearest the transcript's 3' end. VCF-style (leftmost placement, unchanged base first): chr1-115701298-ATCATCATCATCT-A. GRCh37 (hg19) VCF-style: chr1-116243919-ATCATCATCATCT-A.
Other names: c.1131_1142del12 (NM_001232.3).
Identifiers: ClinVar variation 1005640 (VCV001005640.7), dbSNP rs764957093, ClinGen allele CA1023606.